The following is an entry in ClinVar:

NM_002474.3(MYH11):c.4150G>A (p.Ala1384Thr)

Genes: NDE1 (nudE neurodevelopment protein 1; plus strand), MYH11 (myosin heavy chain 11; minus strand). Cytogenetic location: 16p13.11.
Variant type: single nucleotide variant.
Coding change: c.4150G>A on transcript NM_002474.3 (MANE Select); coding-DNA position 4150, G replaced by A.
Protein change: p.Ala1384Thr; replaces alanine 1384 with threonine.
Molecular consequence: missense variant. On other transcripts: 3 prime UTR variant (2).
Genome position (GRCh38, 1-based): chr16:15,724,376, C>T on the plus strand (G>A on the coding strand, the complement: MYH11 is on the minus strand). VCF-style: chr16-15724376-C-T. GRCh37 (hg19) VCF-style: chr16-15818233-C-T.
Other names: c.4171G>A, p.Ala1391Thr (NM_001040113.2, NM_001040114.2); c.4150G>A, p.Ala1384Thr (NM_022844.3); c.*125C>T (NM_001143979.2, NM_017668.3); short protein forms A1391T, A1384T.
Identifiers: ClinVar variation 922175 (VCV000922175.17), dbSNP rs775802674, ClinGen allele CA278605941.

ClinVar aggregate classification (germline): Uncertain significance. Review status: criteria provided, multiple submitters, no conflicts (2 of 4 stars). 5 submissions from 5 submitters: Uncertain significance (5). Last evaluated 2024-03-26.

Conditions:
Familial thoracic aortic aneurysm and aortic dissection (TAAD). Also called: Thoracic aortic aneurysms and dissections. Identifiers: Orphanet 91387, MedGen C4707243, MONDO:0019625.
Aortic aneurysm, familial thoracic 4 (AAT4). Also called: AORTIC ANEURYSM/AORTIC DISSECTION AND PATENT DUCTUS ARTERIOSUS. Identifiers: MedGen C1851504, MONDO:0007568, OMIM 132900.

Allele frequency attached by ClinVar (database versions not stated): TOPMed 0.00001.
gnomAD v4.1: 11 of 1,613,992 alleles (0.00068%); highest among the groups gnomAD compares: African/African-American, 0.013%; no homozygotes.

Submissions (5):

Labcorp Genetics (formerly Invitae), Labcorp
Classification: Uncertain significance for Aortic aneurysm, familial thoracic 4. Last evaluated: 2024-03-26. Review status: criteria provided, single submitter. Criteria: Invitae Variant Classification Sherloc (09022015). Collection method: clinical testing. Allele origin: germline.
Comment: This sequence change replaces alanine, which is neutral and non-polar, with threonine, which is neutral and polar, at codon 1391 of the MYH11 protein (p.Ala1391Thr). This variant is not present in population databases (gnomAD no frequency). This variant has not been reported in the literature in individuals affected with MYH11-related conditions. ClinVar contains an entry for this variant (Variation ID: 922175). Advanced modeling of protein sequence and biophysical properties (such as structural, functional, and spatial information, amino acid conservation, physicochemical variation, residue mobility, and thermodynamic stability) performed at Invitae indicates that this missense variant is not expected to disrupt MYH11 protein function with a negative predictive value of 95%. In summary, the available evidence is currently insufficient to determine the role of this variant in disease. Therefore, it has been classified as a Variant of Uncertain Significance.

Color Diagnostics, LLC DBA Color Health
Classification: Uncertain significance for Familial thoracic aortic aneurysm and aortic dissection. Last evaluated: 2024-03-06. Review status: criteria provided, single submitter. Criteria: ACMG Guidelines, 2015. Collection method: clinical testing. Allele origin: germline.
Comment: This missense variant replaces alanine with threonine at codon 1391 of the MYH11 protein. Computational prediction suggests that this variant may not impact protein structure and function (internally defined REVEL score threshold <= 0.5, PMID: 27666373). To our knowledge, functional studies have not been reported for this variant. This variant has not been reported in individuals affected with MYH11-related disorders in the literature. This variant has not been identified in the general population by the Genome Aggregation Database (gnomAD). The available evidence is insufficient to determine the role of this variant in disease conclusively. Therefore, this variant is classified as a Variant of Uncertain Significance.

All of Us Research Program, National Institutes of Health
Classification: Uncertain significance for Familial thoracic aortic aneurysm and aortic dissection. Last evaluated: 2024-01-11. Review status: criteria provided, single submitter. Criteria: ACMG Guidelines, 2015. Collection method: clinical testing. Allele origin: germline. Inheritance: Autosomal dominant inheritance. Observed: 2 variant alleles, 2 heterozygotes.
Comment: This missense variant replaces alanine with threonine at codon 1391 of the MYH11 protein. Computational prediction suggests that this variant may not impact protein structure and function (internally defined REVEL score threshold <= 0.5, PMID: 27666373). To our knowledge, functional studies have not been reported for this variant. This variant has not been reported in individuals affected with cardiovascular disorders in the literature. This variant has not been identified in the general population by the Genome Aggregation Database (gnomAD). The available evidence is insufficient to determine the role of this variant in disease conclusively. Therefore, this variant is classified as a Variant of Uncertain Significance.

This study involves interpretation of variants in research participants for the purpose of population health screening. Participant phenotype was not available at the time of variant classification. Additional details can be found in publication PMID: 35346344, PMCID: PMC8962531

Women's Health and Genetics/Laboratory Corporation of America, LabCorp
Classification: Uncertain significance. Last evaluated: 2023-08-24. Review status: criteria provided, single submitter. Criteria: LabCorp Variant Classification Summary - May 2015. Collection method: clinical testing. Allele origin: germline.

Ambry Genetics
Classification: Uncertain significance for Familial thoracic aortic aneurysm and aortic dissection. Last evaluated: 2021-07-08. Review status: criteria provided, single submitter. Criteria: Ambry Variant Classification Scheme 2023. Collection method: clinical testing. Allele origin: germline.
Comment: The p.A1384T variant (also known as c.4150G>A), located in coding exon 30 of the MYH11 gene, results from a G to A substitution at nucleotide position 4150. The alanine at codon 1384 is replaced by threonine, an amino acid with similar properties. This amino acid position is conserved. In addition, this alteration is predicted to be tolerated by in silico analysis. Since supporting evidence is limited at this time, the clinical significance of this alteration remains unclear.